The following is an entry in ClinVar:

NM_002485.5(NBN):c.1984del (p.Leu662fs)

Gene: NBN (nibrin; minus strand). Cytogenetic location: 8q21.3.
Variant type: Deletion.
Coding change: c.1984del on transcript NM_002485.5 (MANE Select); coding-DNA position 1984, one base deleted (C; older notation c.1984delC).
Protein change: p.Leu662fs; shifts the reading frame from leucine 662.
Molecular consequence: frameshift variant.
Genome position (GRCh38, 1-based): chr8:89,946,226, G deleted on the plus strand (C on the coding strand, the reverse complement: NBN is on the minus strand). VCF-style (leftmost placement, unchanged base first): chr8-89946225-AG-A. GRCh37 (hg19) VCF-style: chr8-90958453-AG-A.
Other names: c.1738del, p.Leu580fs (NM_001024688.3, NM_001440379.1, NM_001440380.1); short protein forms L580fs, L662fs.
Identifiers: ClinVar variation 5012426 (VCV005012426.1).

ClinVar aggregate classification (germline): Pathogenic (1 of 4 stars; one submission).

Conditions:
Microcephaly, normal intelligence and immunodeficiency (NBS). Also called: IMMUNODEFICIENCY, MICROCEPHALY, AND CHROMOSOMAL INSTABILITY; SEEMANOVA SYNDROME II; Nijmegen breakage syndrome; Microcephaly with normal intelligence immunodeficiency and lymphoreticular malignancies; Nonsyndromal microcephaly autosomal recessive with normal intelligence; Seemanova syndrome 2. Identifiers: Orphanet 647, MedGen C0398791, MONDO:0009623, OMIM 251260.

Submission:

Myriad Genetics, Inc.
Classification: Pathogenic for Microcephaly, normal intelligence and immunodeficiency. Last evaluated: 2023-10-25. Review status: criteria provided, single submitter. Criteria: Myriad Autosomal Dominant, Autosomal Recessive and X-Linked Classification Criteria (2023). Collection method: clinical testing. Allele origin: unknown.
Comment: NM_002485.4(NBN):c.1984delC(L662Wfs*2) is expected to be pathogenic in the context of Nijmegen breakage syndrome. This variant is predicted to lead to an abnormal or absent protein product due to the creation of a premature termination codon in NBN, a gene where loss-of-function variants are known to be pathogenic. Please note: this variant was assessed in the context of healthy population screening.